The following is an entry in ClinVar:

ClinVar aggregate classification (germline): Uncertain significance. Review status: criteria provided, multiple submitters, no conflicts (2 of 4 stars). 4 submissions from 4 submitters: Uncertain significance (3). 1 of the submissions does not count toward it. Last evaluated 2024-06-14.

Conditions:
Epilepsy, childhood absence, susceptibility to, 6. Identifiers: Orphanet 64280, MedGen C2749872, MONDO:0012763, OMIM 611942.
Hyperaldosteronism, familial, type IV (HALD4). Also called: FH IV; ALDOSTERONISM, PRIMARY, AND HYPERTENSION. Identifiers: Orphanet 642671, MedGen C4310756, MONDO:0014875, OMIM 617027.
Idiopathic generalized epilepsy. Also called: Generalised epilepsy; EIG. Identifiers: MedGen C0270850, MONDO:0005579, OMIM 600669.

Allele frequency attached by ClinVar (database versions not stated): gnomAD 0.00001; TOPMed 0.00001; gnomAD exomes 0.00002.
gnomAD v4.1: 22 of 1,605,776 alleles (0.0014%); highest among the groups gnomAD compares: Middle Eastern, 0.016%; no homozygotes.

Submissions (4):

Fulgent Genetics
Classification: Uncertain significance for Epilepsy, childhood absence, susceptibility to, 6; Hyperaldosteronism, familial, type IV. Last evaluated: 2024-06-14. Review status: criteria provided, single submitter. Criteria: ACMG Guidelines, 2015. Collection method: clinical testing. Allele origin: germline.

Neuberg Centre For Genomic Medicine, NCGM
Classification: Uncertain significance for Epilepsy, childhood absence, susceptibility to, 6. Last evaluated: 2023-06-22. Review status: criteria provided, single submitter. Criteria: ACMG Guidelines, 2015. Collection method: clinical testing. Allele origin: germline. Inheritance: Autosomal dominant inheritance. Affected: yes.
Comment: The observed missense c.844G>A(p.Glu282Lys) variant in CACNA1H gene has been reported previously in heterozygosu / homozygous state in individual(s) affected with hyperthermia-induced seizures and childhood absence epilepsy (Calhoun et al., 2020). This variant is reported with the allele frequency of 0.002% in the gnomAD Exomes. This variant has been reported to the ClinVar database as Uncertain Significance / risk factor. However, no details are available for independent assessment. The amino acid Glu at position 282 is changed to a Lys changing protein sequence and it might alter its composition and physico-chemical properties. The amino acid change p.Glu282Lys in CACNA1H is predicted as conserved by GERP++ and PhyloP across 100 vertebrates. Multiple lines of computational evidence (Polyphen - Possibly Damaging, SIFT - Damaging, and MutationTaster - Disease causing) predict a damaging effect on protein structure and function for this variant. For these reasons, this variant has been classified as Uncertain Significance.

Labcorp Genetics (formerly Invitae), Labcorp
Classification: Uncertain significance for Idiopathic generalized epilepsy; Hyperaldosteronism, familial, type IV. Last evaluated: 2019-08-08. Review status: criteria provided, single submitter. Criteria: Invitae Variant Classification Sherloc (09022015). Collection method: clinical testing. Allele origin: germline.
Comment: This sequence change replaces glutamic acid with lysine at codon 282 of the CACNA1H protein (p.Glu282Lys). The glutamic acid residue is moderately conserved and there is a small physicochemical difference between glutamic acid and lysine. This variant is not present in population databases (ExAC no frequency). This variant has been observed in an individual affected with childhood absence epilepsy (PMID: 12891677). ClinVar contains an entry for this variant (Variation ID: 2702). This variant has been reported to affect CACNA1H protein function (PMID: 14729682, 15888660). In summary, the available evidence is currently insufficient to determine the role of this variant in disease. Therefore, it has been classified as a Variant of Uncertain Significance.

OMIM
Classification: risk factor for EPILEPSY, CHILDHOOD ABSENCE, SUSCEPTIBILITY TO, 6. Last evaluated: 2004-03-12. Review status: no assertion criteria provided. Collection method: literature only. Allele origin: germline. Not counted in ClinVar's aggregate classification.

Literature cited by the submitters: PubMed 15888660 (cited by Labcorp Genetics (formerly Invitae), Labcorp); PubMed 14729682 (cited by Labcorp Genetics (formerly Invitae), Labcorp and OMIM); PubMed 12891677 (cited by Labcorp Genetics (formerly Invitae), Labcorp and OMIM).

NM_021098.3(CACNA1H):c.844G>A (p.Glu282Lys)

Gene: CACNA1H (calcium voltage-gated channel subunit alpha1 H; plus strand). Cytogenetic location: 16p13.3.
Variant type: single nucleotide variant.
Coding change: c.844G>A on transcript NM_021098.3 (MANE Select); coding-DNA position 844, G replaced by A.
Protein change: p.Glu282Lys; replaces glutamic acid 282 with lysine.
Molecular consequence: missense variant.
Genome position (GRCh38, 1-based): chr16:1,200,296, G>A. VCF-style: chr16-1200296-G-A. GRCh37 (hg19) VCF-style: chr16-1250296-G-A.
Other names: c.844G>A, p.Glu282Lys (NM_001005407.2); short protein forms E282K.
Identifiers: ClinVar variation 2702 (VCV000002702.5), dbSNP rs119454948, ClinGen allele CA214923.